The following is an entry in ClinVar:

NM_001111.5(ADAR):c.196_207dup (p.Pro69_Gly70insProSerLeuPro)

Gene: ADAR (adenosine deaminase RNA specific; minus strand). Cytogenetic location: 1q21.3.
Variant type: Duplication.
Coding change: c.196_207dup on transcript NM_001111.5 (MANE Select); coding-DNA positions 196 to 207, 12 bases duplicated (CCTTCCCTCCCA).
Protein change: p.Pro69_Gly70insProSerLeuPro.
Molecular consequence: inframe insertion. On other transcripts: 5 prime UTR variant (6).
Genome position (GRCh38, 1-based): chr1:154,602,435-154,602,446, TGGGAGGGAAGG duplicated on the plus strand (CCTTCCCTCCCA on the coding strand, the reverse complement: ADAR is on the minus strand); duplicating any 12 consecutive bases within chr1:154,602,435-154,602,449 gives the same sequence; the c. name uses the placement nearest the transcript's 3' end. VCF-style (leftmost placement, unchanged base first): chr1-154602434-C-CTGGGAGGGAAGG. GRCh37 (hg19) VCF-style: chr1-154574910-C-CTGGGAGGGAAGG.
Other names: c.-690_-679dup (NM_001193495.2, NM_001365048.1, NM_001025107.3); c.223_234dup, p.Pro78_Gly79insProSerLeuPro (NM_001365045.1); c.-554_-543dup (NM_001365049.1, NM_001365046.1, NM_001365047.1); c.196_207dup, p.Pro69_Gly70insProSerLeuPro (NM_015840.4, NM_015841.4).
Identifiers: ClinVar variation 3748467 (VCV003748467.2).

ClinVar aggregate classification (germline): Uncertain significance (1 of 4 stars; one submission).

Conditions:
Symmetrical dyschromatosis of extremities (DSH). Also called: DYSCHROMATOSIS SYMMETRICA HEREDITARIA 1; RETICULATE ACROPIGMENTATION OF DOHI; SYMMETRIC DYSCHROMATOSIS OF THE EXTREMITIES; Dyschromatosis symmetrica hereditaria. Identifiers: Orphanet 41, MedGen C0406775, MONDO:0007483, OMIM 127400.
Aicardi-Goutieres syndrome 6 (AGS6). Identifiers: Orphanet 51, MedGen C3539013, MONDO:0014007, OMIM 615010.

Submission:

Labcorp Genetics (formerly Invitae), Labcorp
Classification: Uncertain significance for Aicardi-Goutieres syndrome 6; Symmetrical dyschromatosis of extremities. Last evaluated: 2024-06-11. Review status: criteria provided, single submitter. Criteria: Invitae Variant Classification Sherloc (09022015). Collection method: clinical testing. Allele origin: germline.
Comment: This variant, c.196_207dup, results in the insertion of 4 amino acid(s) of the ADAR protein (p.Pro66_Pro69dup), but otherwise preserves the integrity of the reading frame. This variant is not present in population databases (gnomAD no frequency). This variant has not been reported in the literature in individuals affected with ADAR-related conditions. Algorithms developed to predict the effect of sequence changes on RNA splicing suggest that this variant may create or strengthen a splice site. In summary, the available evidence is currently insufficient to determine the role of this variant in disease. Therefore, it has been classified as a Variant of Uncertain Significance.